The following is an entry in ClinVar:

NM_001365536.1(SCN9A):c.5558G>C (p.Ser1853Thr)

Genes: SCN1A-AS1 (SCN1A and SCN9A antisense RNA 1; plus strand), SCN9A (sodium voltage-gated channel alpha subunit 9; minus strand). Cytogenetic location: 2q24.3.
Variant type: single nucleotide variant.
Coding change: c.5558G>C on transcript NM_001365536.1 (MANE Select); coding-DNA position 5558, G replaced by C.
Protein change: p.Ser1853Thr; replaces serine 1853 with threonine.
Molecular consequence: missense variant.
Genome position (GRCh38, 1-based): chr2:166,199,081, C>G on the plus strand (G>C on the coding strand, the complement: SCN9A is on the minus strand). VCF-style: chr2-166199081-C-G. GRCh37 (hg19) VCF-style: chr2-167055591-C-G.
Other names: c.5525G>C, p.Ser1842Thr (NM_002977.4); short protein forms S1842T, S1853T.
Identifiers: ClinVar variation 2937038 (VCV002937038.3), dbSNP rs1380470248, ClinGen allele CA349052337.

ClinVar aggregate classification (germline): Uncertain significance (1 of 4 stars; one submission).

Conditions:
Neuropathy, hereditary sensory and autonomic, type 2A (HSAN2A). Also called: ACROOSTEOLYSIS, GIACCAI TYPE; ACROOSTEOLYSIS, NEUROGENIC; MORVAN DISEASE; NEUROPATHY, CONGENITAL SENSORY; NEUROPATHY, HEREDITARY SENSORY RADICULAR, AUTOSOMAL RECESSIVE; NEUROPATHY, HEREDITARY SENSORY, TYPE IIA. Identifiers: Orphanet 970, MedGen C2752089, MONDO:0024309, OMIM 201300.
Generalized epilepsy with febrile seizures plus, type 7 (GEFSP7). Also called: GEFS+, TYPE 7. Identifiers: Orphanet 36387, MedGen C2751778, MONDO:0013470, OMIM 613863.

Submission:

Labcorp Genetics (formerly Invitae), Labcorp
Classification: Uncertain significance for Neuropathy, hereditary sensory and autonomic, type 2A; Generalized epilepsy with febrile seizures plus, type 7. Last evaluated: 2023-02-17. Review status: criteria provided, single submitter. Criteria: Invitae Variant Classification Sherloc (09022015). Collection method: clinical testing. Allele origin: germline.
Comment: This sequence change replaces serine, which is neutral and polar, with threonine, which is neutral and polar, at codon 1842 of the SCN9A protein (p.Ser1842Thr). This variant is not present in population databases (gnomAD no frequency). This variant has not been reported in the literature in individuals affected with SCN9A-related conditions. Advanced modeling of protein sequence and biophysical properties (such as structural, functional, and spatial information, amino acid conservation, physicochemical variation, residue mobility, and thermodynamic stability) performed at Invitae indicates that this missense variant is not expected to disrupt SCN9A protein function. In summary, the available evidence is currently insufficient to determine the role of this variant in disease. Therefore, it has been classified as a Variant of Uncertain Significance.